The following is an entry in ClinVar:

ClinVar aggregate classification (germline): Pathogenic. Review status: reviewed by expert panel (3 of 4 stars). 2 submissions from 2 submitters: Pathogenic (1). 1 of the submissions does not count toward it. Last evaluated 2016-09-08.

Conditions:
Breast-ovarian cancer, familial, susceptibility to, 2 (BROVCA2). Also called: BRCA2 Hereditary Breast and Ovarian Cancer. Identifiers: Orphanet 145, MedGen C2675520, MONDO:0012933, OMIM 612555. Disease mechanism: loss of function.

Submissions (2):

Evidence-based Network for the Interpretation of Germline Mutant Alleles (ENIGMA)
Classification: Pathogenic for Breast-ovarian cancer, familial, susceptibility to, 2. Last evaluated: 2016-09-08. Review status: reviewed by expert panel. Criteria: ENIGMA BRCA1/2 Classification Criteria (2015). Collection method: curation. Allele origin: germline.
Comment: Variant allele predicted to encode a truncated non-functional protein.

Breast Cancer Information Core (BIC) (BRCA2)
Classification: Pathogenic for Breast-ovarian cancer, familial 2. Last evaluated: 2002-05-29. Review status: no assertion criteria provided. Collection method: clinical testing. Allele origin: germline. Affected: yes. Observed: 1 variant allele. Not counted in ClinVar's aggregate classification.

NM_000059.4(BRCA2):c.4048dup (p.His1350fs)

Gene: BRCA2 (BRCA2 DNA repair associated; plus strand). Cytogenetic location: 13q13.1.
Variant type: Duplication.
Coding change: c.4048dup on transcript NM_000059.4 (MANE Select); coding-DNA position 4048, one base duplicated (C; older notation c.4048dupC).
Protein change: p.His1350fs; shifts the reading frame from histidine 1350.
Molecular consequence: frameshift variant.
Genome position (GRCh38, 1-based): chr13:32,338,403, C duplicated. VCF-style (leftmost placement, unchanged base first): chr13-32338402-T-TC. GRCh37 (hg19) VCF-style: chr13-32912539-T-TC.
Other names: 4276insC; c.4048dupC (NM_000059.3); short protein forms H1350fs.
Identifiers: ClinVar variation 126036 (VCV000126036.2), dbSNP rs80359422, ClinGen allele CA019430.